The following is an entry in ClinVar:

ClinVar aggregate classification (germline): Uncertain significance. Review status: criteria provided, multiple submitters, no conflicts (2 of 4 stars). 2 submissions from 2 submitters: Uncertain significance (2). Last evaluated 2026-02-26.

Conditions:
Inborn genetic diseases. Identifiers: MedGen C0950123, MeSH D030342.

Submissions (2):

GeneDx
Classification: Uncertain significance. Last evaluated: 2026-02-26. Review status: criteria provided, single submitter. Criteria: GeneDx Variant Classification Process June 2021. Collection method: clinical testing. Allele origin: germline.
Comment: Not observed at significant frequency in large population cohorts (gnomAD); In silico analysis supports that this missense variant has a deleterious effect on protein structure/function; Has not been previously published as pathogenic or benign to our knowledge; This substitution is predicted to be within the extracellular loop between the S5 and S6 transmembrane segments of the second homologous domain

Ambry Genetics
Classification: Uncertain significance for Inborn genetic diseases. Last evaluated: 2023-06-30. Review status: criteria provided, single submitter. Criteria: Ambry Variant Classification Scheme 2023. Collection method: clinical testing. Allele origin: germline.

NM_001330260.2(SCN8A):c.2720A>G (p.Lys907Arg)

Gene: SCN8A (sodium voltage-gated channel alpha subunit 8; plus strand). Cytogenetic location: 12q13.13.
Variant type: single nucleotide variant.
Coding change: c.2720A>G on transcript NM_001330260.2 (MANE Select); coding-DNA position 2720, A replaced by G.
Protein change: p.Lys907Arg; replaces lysine 907 with arginine.
Molecular consequence: missense variant.
Genome position (GRCh38, 1-based): chr12:51,765,846, A>G. VCF-style: chr12-51765846-A-G. GRCh37 (hg19) VCF-style: chr12-52159630-A-G.
Other names: c.2720A>G, p.Lys907Arg (NM_001177984.3, NM_001369788.1, NM_014191.4); c.2720A>G (NM_014191.3); short protein forms K907R.
Identifiers: ClinVar variation 2609119 (VCV002609119.3), dbSNP rs1307522028, ClinGen allele CA384888168.
Genomic context (GRCh38, chr12:51,765,846, plus strand): 5'-TCATCTTTGCCGTGGTGGGGATGCAACTCTTTGGAAAAAGCTACAAAGAGTGTGTCTGCA[A>G]GATCAACCAGGACTGTGAACTCCCTCGCTGGCATATGCATGACTTTTTCCATTCCTTCCT-3'
Protein context (NP_001317189.1, residues 897-917): FGKSYKECVC[Lys907Arg]INQDCELPRW